The following is an entry in ClinVar:

ClinVar aggregate classification (germline): Likely benign. Review status: criteria provided, multiple submitters, no conflicts (2 of 4 stars). 2 submissions from 2 submitters: Likely benign (2). Last evaluated 2025-01-27.

Allele frequency attached by ClinVar (database versions not stated): gnomAD 0.00001; TOPMed 0.00002; gnomAD exomes 0.00004; ExAC 0.00006.
gnomAD v4.1: 20 of 1,609,560 alleles (0.0012%); highest among the groups gnomAD compares: South Asian, 0.017%; no homozygotes.

Submissions (2):

Labcorp Genetics (formerly Invitae), Labcorp
Classification: Likely benign. Last evaluated: 2025-01-27. Review status: criteria provided, single submitter. Criteria: Invitae Variant Classification Sherloc (09022015). Collection method: clinical testing. Allele origin: germline.

CeGaT Center for Human Genetics Tuebingen
Classification: Likely benign. Last evaluated: 2023-05-01. Review status: criteria provided, single submitter. Criteria: CeGaT Center For Human Genetics Tuebingen Variant Classification Criteria Version 2. Collection method: clinical testing. Allele origin: germline. Affected: yes. Observed: 1 variant allele.
Comment: ATP8A2: BP4, BP7

NM_016529.6(ATP8A2):c.237C>T (p.Ser79=)

Gene: ATP8A2 (ATPase phospholipid transporting 8A2). Cytogenetic location: 13q12.13.
Variant type: single nucleotide variant.
Coding change: c.237C>T on transcript NM_016529.6 (MANE Select); coding-DNA position 237, C replaced by T.
Protein change: p.Ser79=; no amino-acid change (serine 79 retained).
Molecular consequence: synonymous variant.
Genome position (GRCh38, 1-based): chr13:25,530,014, C>T. VCF-style: chr13-25530014-C-T. GRCh37 (hg19) VCF-style: chr13-26104152-C-T.
Other names: c.117C>T, p.Ser39= (NM_001313741.1).
Identifiers: ClinVar variation 1379568 (VCV001379568.29), dbSNP rs772053561, ClinGen allele CA6922508.